The following is an entry in ClinVar:

ClinVar aggregate classification (germline): Uncertain significance. Review status: criteria provided, multiple submitters, no conflicts (2 of 4 stars). 2 submissions from 2 submitters: Uncertain significance (2). Last evaluated 2024-10-13.

Conditions:
Primary ciliary dyskinesia 19. Also called: CILIARY DYSKINESIA, PRIMARY, 19, WITH OR WITHOUT SITUS INVERSUS. Identifiers: Orphanet 244, MedGen C3543826, MONDO:0013979, OMIM 614935.

Allele frequency attached by ClinVar (database versions not stated): TOPMed 0.00002.
gnomAD v4.1: 90 of 1,359,382 alleles (0.0066%); highest among the groups gnomAD compares: Middle Eastern, 0.11%; 2 homozygotes.

Submissions (2):

Genomic Medicine Center of Excellence, King Faisal Specialist Hospital and Research Centre
Classification: Uncertain significance for Primary ciliary dyskinesia 19. Last evaluated: 2024-10-13. Review status: criteria provided, single submitter. Criteria: ACMG Guidelines, 2015. Collection method: clinical testing. Allele origin: germline.
Comment: This variant (GRCh38; NM_012472.6:c.234T>G:p.Ile78Met) results in a missense mutation with the conversion of Isoleucine (Nonpolar amino acids) to Methaionine (Nonpolar amino acids) in the DNAAF11 protein. Not observed at significant frequency in large population cohorts (gnomAD). This variant has a strong Conservation score. ClinVar contains an entry for this variant (Variation ID: 909002). Missense variant in a gene for which primarily truncating variants are known to cause disease. To our knowledge, no experimental evidence demonstrating an impact on protein function has been reported. A literature search was performed for the gene and associated variants. Based on this search no publications were found. Based on conflicting evidence or insufficient data to determine whether the variant is benign or pathogenic, the clinical significance of this alteration remains unclear. In summary, this variant meets our criteria for classification as of Unknown Clinical Significance based on the evidence outlined.

Illumina Laboratory Services, Illumina
Classification: Uncertain significance for Primary ciliary dyskinesia 19. Last evaluated: 2018-01-12. Review status: criteria provided, single submitter. Criteria: ICSL Variant Classification Criteria 13 December 2019. Collection method: clinical testing. Allele origin: germline.

NM_012472.6(DNAAF11):c.234T>G (p.Ile78Met)

Gene: DNAAF11 (dynein axonemal assembly factor 11; minus strand). Cytogenetic location: 8q24.22.
Variant type: single nucleotide variant.
Coding change: c.234T>G on transcript NM_012472.6 (MANE Select); coding-DNA position 234, T replaced by G.
Protein change: p.Ile78Met; replaces isoleucine 78 with methionine.
Molecular consequence: missense variant. On other transcripts: 5 prime UTR variant (4), non-coding transcript variant (7), intron variant (1).
Genome position (GRCh38, 1-based): chr8:132,656,852, A>C on the plus strand (T>G on the coding strand, the complement: DNAAF11 is on the minus strand). VCF-style: chr8-132656852-A-C. GRCh37 (hg19) VCF-style: chr8-133669098-A-C.
Other names: c.234T>G, p.Ile78Met (NM_001321961.2); c.-127T>G (NM_001321963.2, NM_001321964.2, NM_001321966.2); c.-440T>G (NM_001321965.2); c.10+18632T>G (NM_001321962.2); short protein forms I78M.
Identifiers: ClinVar variation 909002 (VCV000909002.5), dbSNP rs749435096, ClinGen allele CA4881434.